The following is an entry in ClinVar:

ClinVar aggregate classification (germline): Uncertain significance (1 of 4 stars; one submission).

Conditions:
Hereditary cancer-predisposing syndrome. Also called: Neoplastic Syndromes, Hereditary; Tumor predisposition; Hereditary Cancer Syndrome; Hereditary neoplastic syndrome. Identifiers: Orphanet 140162, MedGen C0027672, MeSH D009386, MONDO:0015356.
Cardiovascular phenotype. Identifiers: MedGen CN230736.

Allele frequency attached by ClinVar (database versions not stated): gnomAD exomes below 0.00001.
gnomAD v4.1: 1 of 1,611,756 alleles (0.000062%); highest among the groups gnomAD compares: Non-Finnish European, 0.000085%; no homozygotes.

Submission:

Ambry Genetics
Classification: Uncertain significance for Cardiovascular phenotype; Hereditary cancer-predisposing syndrome. Last evaluated: 2022-02-22. Review status: criteria provided, single submitter. Criteria: Ambry Variant Classification Scheme 2023. Collection method: clinical testing. Allele origin: germline.
Comment: The p.G65D variant (also known as c.194G>A), located in coding exon 1 of the LZTR1 gene, results from a G to A substitution at nucleotide position 194. The glycine at codon 65 is replaced by aspartic acid, an amino acid with similar properties. This amino acid position is conserved. In addition, this alteration is predicted to be deleterious by in silico analysis. Since supporting evidence is limited at this time, the clinical significance of this alteration remains unclear.

NM_006767.4(LZTR1):c.194G>A (p.Gly65Asp)

Gene: LZTR1 (leucine zipper like post translational regulator 1; plus strand). Cytogenetic location: 22q11.21.
Variant type: single nucleotide variant.
Coding change: c.194G>A on transcript NM_006767.4 (MANE Select); coding-DNA position 194, G replaced by A.
Protein change: p.Gly65Asp; replaces glycine 65 with aspartic acid.
Molecular consequence: missense variant.
Genome position (GRCh38, 1-based): chr22:20,982,565, G>A. VCF-style: chr22-20982565-G-A. GRCh37 (hg19) VCF-style: chr22-21336854-G-A.
Other names: short protein forms G65D.
Identifiers: ClinVar variation 1783197 (VCV001783197.2), dbSNP rs2518608028, ClinGen allele CA410778175.